The following is an entry in ClinVar:

ClinVar aggregate classification (germline): Uncertain significance (1 of 4 stars; one submission).

Conditions:
Autosomal dominant limb-girdle muscular dystrophy type 1F (LGMDD2). Also called: MUSCULAR DYSTROPHY, LIMB-GIRDLE, AUTOSOMAL DOMINANT 2; Limb-girdle muscular dystrophy, type 1F. Identifiers: Orphanet 55595, MedGen C1842062, MONDO:0012034, OMIM 608423.

gnomAD v4.1: 1 of 1,614,126 alleles (0.000062%); no homozygotes.

Submission:

Labcorp Genetics (formerly Invitae), Labcorp
Classification: Uncertain significance for Autosomal dominant limb-girdle muscular dystrophy type 1F. Last evaluated: 2022-03-09. Review status: criteria provided, single submitter. Criteria: Invitae Variant Classification Sherloc (09022015). Collection method: clinical testing. Allele origin: germline.
Comment: This sequence change replaces aspartic acid, which is acidic and polar, with asparagine, which is neutral and polar, at codon 864 of the TNPO3 protein (p.Asp864Asn). This variant is not present in population databases (gnomAD no frequency). In summary, the available evidence is currently insufficient to determine the role of this variant in disease. Therefore, it has been classified as a Variant of Uncertain Significance. Algorithms developed to predict the effect of sequence changes on RNA splicing suggest that this variant may create or strengthen a splice site. Algorithms developed to predict the effect of missense changes on protein structure and function (SIFT, PolyPhen-2, Align-GVGD) all suggest that this variant is likely to be tolerated. ClinVar contains an entry for this variant (Variation ID: 665549). This variant has not been reported in the literature in individuals affected with TNPO3-related conditions.

NM_012470.4(TNPO3):c.2590G>A (p.Asp864Asn)

Gene: TNPO3 (transportin 3; minus strand). Cytogenetic location: 7q32.1.
Variant type: single nucleotide variant.
Coding change: c.2590G>A on transcript NM_012470.4 (MANE Select); coding-DNA position 2590, G replaced by A.
Protein change: p.Asp864Asn; replaces aspartic acid 864 with asparagine.
Molecular consequence: missense variant. On other transcripts: non-coding transcript variant (18).
Genome position (GRCh38, 1-based): chr7:128,970,156, C>T on the plus strand (G>A on the coding strand, the complement: TNPO3 is on the minus strand). VCF-style: chr7-128970156-C-T. GRCh37 (hg19) VCF-style: chr7-128610210-C-T.
Other names: c.2398G>A, p.Asp800Asn (NM_001191028.3, NM_001382223.1); c.2692G>A, p.Asp898Asn (NM_001382216.1); c.2671G>A, p.Asp891Asn (NM_001382217.1); c.2590G>A, p.Asp864Asn (NM_001382218.1); c.2482G>A, p.Asp828Asn (NM_001382219.1); c.2449G>A, p.Asp817Asn (NM_001382220.1); c.2446G>A, p.Asp816Asn (NM_001382221.1); c.2443G>A, p.Asp815Asn (NM_001382222.1); short protein forms D800N, D864N, D815N, D816N, D817N, D828N, D891N, D898N.
Identifiers: ClinVar variation 665549 (VCV000665549.9), dbSNP rs1585324543, ClinGen allele CA369251818.
Genomic context (GRCh38, chr7:128,970,156, plus strand): 5'-GCCTATTACATTTAGGGACTATGAGATAAATTCCTCATGAAAACAATCTTACCGGTCTGT[C>T]AACCTGCATGATCTCCCAGAGCACTTCAGCCACATCTGGTAGGGTATAGGGGGGGAGGCA-3'
Protein context (NP_036602.1, residues 854-874): AEVLWEIMQV[Asp864Asn]RPTFCRWLEN